The following is an entry in ClinVar:

NM_016298.4(FBXO40):c.1935C>T (p.Leu645=)

Gene: FBXO40 (F-box protein 40; plus strand). Cytogenetic location: 3q13.33.
Variant type: single nucleotide variant.
Coding change: c.1935C>T on transcript NM_016298.4 (MANE Select); coding-DNA position 1935, C replaced by T.
Protein change: p.Leu645=; no amino-acid change (leucine 645 retained).
Molecular consequence: synonymous variant.
Genome position (GRCh38, 1-based): chr3:121,626,715, C>T. VCF-style: chr3-121626715-C-T. GRCh37 (hg19) VCF-style: chr3-121345562-C-T.
Identifiers: ClinVar variation 782742 (VCV000782742.28), dbSNP rs61753287, ClinGen allele CA2564678.
Genomic context (GRCh38, chr3:121,626,715, plus strand): 5'-ACCCCTATATTCACCTTTGAACTTCTATCTTTCTCAACAGATCTGGCAGTTCAGCAGCCT[C>T]TTCTCCAAAATCAAGAGCTGGGAGTTTAATGAAGTCACCTCCATGTCTGAGCACCTGAAG-3'
Protein context (NP_057382.2, residues 635-655): VHREIWQFSS[Leu645=]FSKIKSWEFN

ClinVar aggregate classification (germline): Benign/Likely benign. Review status: criteria provided, multiple submitters, no conflicts (2 of 4 stars). 3 submissions from 3 submitters: Benign (2); Likely benign (1). Last evaluated 2023-02-01.

Allele frequency attached by ClinVar (database versions not stated): 1000 Genomes Project 30x 0.00109; 1000 Genomes Project 0.00140; ExAC 0.00432; gnomAD exomes 0.00470 and 0.00946; TOPMed 0.00502; gnomAD 0.00519 and 0.00531; ESP Exome Variant Server 0.00584.
gnomAD v4.1: 14,418 of 1,614,140 alleles (0.89%); highest among the groups gnomAD compares: Non-Finnish European, 1.2%; 92 homozygotes.

Submissions (3):

CeGaT Center for Human Genetics Tuebingen
Classification: Likely benign. Last evaluated: 2023-02-01. Review status: criteria provided, single submitter. Criteria: CeGaT Center For Human Genetics Tuebingen Variant Classification Criteria Version 2. Collection method: clinical testing. Allele origin: germline. Affected: yes. Observed: 1 variant allele.
Comment: FBXO40: BP4, BP7, BS2

Labcorp Genetics (formerly Invitae), Labcorp
Classification: Benign. Last evaluated: 2018-07-27. Review status: criteria provided, single submitter. Criteria: Invitae Variant Classification Sherloc (09022015). Collection method: clinical testing. Allele origin: germline.

Breakthrough Genomics
Classification: Benign. Review status: criteria provided, single submitter. Criteria: ACMG Guidelines, 2015. Collection method: not provided. Allele origin: germline. Inheritance: Unknown mechanism. Affected: yes.